The following is an entry in ClinVar:

NM_004407.4(DMP1):c.*380C>T

Genes: DMP1-AS1 (DMP1 and DSPP antisense RNA 1; minus strand), DMP1 (dentin matrix acidic phosphoprotein 1; plus strand). Cytogenetic location: 4q22.1.
Variant type: single nucleotide variant.
Coding change: c.*380C>T on transcript NM_004407.4 (MANE Select); 380 bases downstream of the stop codon, C replaced by T.
Molecular consequence: 3 prime UTR variant.
Genome position (GRCh38, 1-based): chr4:87,663,700, C>T. VCF-style: chr4-87663700-C-T. GRCh37 (hg19) VCF-style: chr4-88584852-C-T.
Other names: c.*380C>T (NM_001079911.3).
Identifiers: ClinVar variation 905725 (VCV000905725.4), dbSNP rs150349595, ClinGen allele CA101381938.

ClinVar aggregate classification (germline): Benign (1 of 4 stars; one submission).

Conditions:
Hypophosphatemic rickets, autosomal recessive, 1 (ARHR1). Also called: HYPOPHOSPHATEMIA, AUTOSOMAL RECESSIVE. Identifiers: Orphanet 289176, MedGen C4551495, MONDO:0009430, OMIM 241520. Disease mechanism: loss of function.

Allele frequency attached by ClinVar (database versions not stated): gnomAD 0.00349 and 0.00387; 1000 Genomes Project 0.00359; 1000 Genomes Project 30x 0.00375; TOPMed 0.00417.
gnomAD v4.1: 634 of 324,902 alleles (0.2%); highest among the groups gnomAD compares: African/African-American, 1.2%; 3 homozygotes.

Submission:

Illumina Laboratory Services, Illumina
Classification: Benign for Hypophosphatemic rickets, autosomal recessive, 1. Last evaluated: 2017-04-27. Review status: criteria provided, single submitter. Criteria: ICSL Variant Classification Criteria 13 December 2019. Collection method: clinical testing. Allele origin: germline.
Comment: This variant was observed as part of a predisposition screen in an ostensibly healthy population. A literature search was performed for the gene, cDNA change, and amino acid change (where applicable). No publications were found based on this search. Allele frequency data from public databases was too high to be consistent with this variant causing disease. Therefore, this variant is classified as benign.